The following is an entry in ClinVar:

NM_000821.7(GGCX):c.1417A>T (p.Ile473Phe)

Gene: GGCX (gamma-glutamyl carboxylase; minus strand). Cytogenetic location: 2p11.2.
Variant type: single nucleotide variant.
Coding change: c.1417A>T on transcript NM_000821.7 (MANE Select); coding-DNA position 1417, A replaced by T.
Protein change: p.Ile473Phe; replaces isoleucine 473 with phenylalanine.
Molecular consequence: missense variant.
Genome position (GRCh38, 1-based): chr2:85,552,438, T>A on the plus strand (A>T on the coding strand, the complement: GGCX is on the minus strand). VCF-style: chr2-85552438-T-A. GRCh37 (hg19) VCF-style: chr2-85779561-T-A.
Other names: p.Ile473Phe; c.1246A>T, p.Ile416Phe (NM_001142269.4); short protein forms I473F, I416F.
Identifiers: ClinVar variation 4540656 (VCV004540656.1).
Genomic context (GRCh38, chr2:85,552,438, plus strand): 5'-TGCTTCATTTTTTCCCACTCTCTGCTCCCCTTGCCCACCTCTGCTGGAAGCGGTCATTGA[T>A]GGAGACCCAAATATCAAAGTAGATCTGGGGCTCAGTGACATTATACTTGGGAAGCAGGCG-3'
Protein context (NP_000812.2, residues 463-483): PQIYFDIWVS[Ile473Phe]NDRFQQRIFD

ClinVar aggregate classification (germline): Uncertain significance (1 of 4 stars; one submission).

gnomAD v4.1: 6 of 1,614,084 alleles (0.00037%); highest among the groups gnomAD compares: Middle Eastern, 0.083%; no homozygotes.

Submission:

Mayo Clinic Laboratories, Mayo Clinic
Classification: Uncertain significance. Last evaluated: 2025-11-14. Review status: criteria provided, single submitter. Criteria: ACMG Guidelines, 2015. Collection method: clinical testing. Allele origin: germline. Observed: 1 variant allele.
Comment: PP3_moderate, PM2_supporting